The following is an entry in ClinVar:

ClinVar aggregate classification (germline): Uncertain significance (1 of 4 stars; one submission).

Submission:

Labcorp Genetics (formerly Invitae), Labcorp
Classification: Uncertain significance. Last evaluated: 2024-11-11. Review status: criteria provided, single submitter. Criteria: Invitae Variant Classification Sherloc (09022015). Collection method: clinical testing. Allele origin: germline.
Comment: This sequence change falls in intron 10 of the GCLC gene. It does not directly change the encoded amino acid sequence of the GCLC protein. It affects a nucleotide within the consensus splice site. This variant is not present in population databases (gnomAD no frequency). This variant has not been reported in the literature in individuals affected with GCLC-related conditions. ClinVar contains an entry for this variant (Variation ID: 1978414). Variants that disrupt the consensus splice site are a relatively common cause of aberrant splicing (PMID: 17576681, 9536098). Algorithms developed to predict the effect of sequence changes on RNA splicing suggest that this variant is not likely to affect RNA splicing. In summary, the available evidence is currently insufficient to determine the role of this variant in disease. Therefore, it has been classified as a Variant of Uncertain Significance.

Literature cited by the submitters: PubMed 17576681; PubMed 9536098.

NM_001498.4(GCLC):c.1197+5C>G

Genes: GCLC (glutamate-cysteine ligase catalytic subunit; minus strand), GCLC-AS1 (GCLC antisense RNA 1; plus strand). Cytogenetic location: 6p12.1.
Variant type: single nucleotide variant.
Coding change: c.1197+5C>G on transcript NM_001498.4 (MANE Select); 5 bases into the intron after coding-DNA position 1197, C replaced by G.
Molecular consequence: intron variant.
Genome position (GRCh38, 1-based): chr6:53,506,908, G>C on the plus strand (C>G on the coding strand, the complement: GCLC is on the minus strand). VCF-style: chr6-53506908-G-C. GRCh37 (hg19) VCF-style: chr6-53371706-G-C.
Other names: c.1083+5C>G (NM_001197115.2).
Identifiers: ClinVar variation 1978414 (VCV001978414.4), dbSNP rs2481341583, ClinGen allele CA450448694.